The following is an entry in ClinVar:

ClinVar aggregate classification (germline): Uncertain significance. Review status: criteria provided, multiple submitters, no conflicts (2 of 4 stars). 3 submissions from 3 submitters: Uncertain significance (3). Last evaluated 2025-12-17.

Conditions:
Inborn genetic diseases. Identifiers: MedGen C0950123, MeSH D030342.

gnomAD v4.1: 72 of 1,614,102 alleles (0.0045%); highest among the groups gnomAD compares: Admixed American, 0.03%; no homozygotes.

Submissions (3):

Labcorp Genetics (formerly Invitae), Labcorp
Classification: Uncertain significance. Last evaluated: 2025-12-17. Review status: criteria provided, single submitter. Criteria: Invitae Variant Classification Sherloc (09022015). Collection method: clinical testing. Allele origin: germline.
Comment: This sequence change replaces alanine, which is neutral and non-polar, with glycine, which is neutral and non-polar, at codon 109 of the LBR protein (p.Ala109Gly). This variant is present in population databases (rs568717962, gnomAD 0.03%). This variant has not been reported in the literature in individuals affected with LBR-related conditions. ClinVar contains an entry for this variant (Variation ID: 3600710). Invitae Evidence Modeling of protein sequence and biophysical properties (such as structural, functional, and spatial information, amino acid conservation, physicochemical variation, residue mobility, and thermodynamic stability) indicates that this missense variant is not expected to disrupt LBR protein function with a negative predictive value of 95%. In summary, the available evidence is currently insufficient to determine the role of this variant in disease. Therefore, it has been classified as a Variant of Uncertain Significance.

Ambry Genetics
Classification: Uncertain significance for Inborn genetic diseases. Last evaluated: 2025-04-13. Review status: criteria provided, single submitter. Criteria: Ambry Variant Classification Scheme 2023. Collection method: clinical testing. Allele origin: germline.

GeneDx
Classification: Uncertain significance. Last evaluated: 2024-07-24. Review status: criteria provided, single submitter. Criteria: GeneDx Variant Classification Process June 2021. Collection method: clinical testing. Allele origin: germline. Affected: yes.
Comment: In silico analysis indicates that this missense variant does not alter protein structure/function; Has not been previously published as pathogenic or benign to our knowledge

NM_002296.4(LBR):c.326C>G (p.Ala109Gly)

Gene: LBR (lamin B receptor; minus strand). Cytogenetic location: 1q42.12.
Variant type: single nucleotide variant.
Coding change: c.326C>G on transcript NM_002296.4 (MANE Select); coding-DNA position 326, C replaced by G.
Protein change: p.Ala109Gly; replaces alanine 109 with glycine.
Molecular consequence: missense variant.
Genome position (GRCh38, 1-based): chr1:225,422,117, G>C on the plus strand (C>G on the coding strand, the complement: LBR is on the minus strand). VCF-style: chr1-225422117-G-C. GRCh37 (hg19) VCF-style: chr1-225609819-G-C.
Other names: c.326C>G, p.Ala109Gly (NM_194442.3); short protein forms A109G.
Identifiers: ClinVar variation 3600710 (VCV003600710.4).
Genomic context (GRCh38, chr1:225,422,117, plus strand): 5'-ATAAGGATAAACACAAGTACCAGAATCAGCGGAGTCAATTTAACTTCCACTTCCCTCCTT[G>C]CTTCCTTAATGTCGGCCTGGTGGGAAGCAGAAGCAGATCGGCGGGCACTTTTAGGTGGTC-3'
Protein context (NP_002287.2, residues 99-119): SASHQADIKE[Ala109Gly]RREVEVKLTP